The following is an entry in ClinVar:

ClinVar aggregate classification (germline): Likely benign (0 of 4 stars; one submission).

Conditions:
TBX22-related disorder. Also called: TBX22-related condition.

Submission:

PreventionGenetics, part of Exact Sciences
Classification: Likely benign for TBX22-related condition. Last evaluated: 2019-04-25. Review status: no assertion criteria provided. Collection method: clinical testing. Allele origin: germline.
Comment: This variant is classified as likely benign based on ACMG/AMP sequence variant interpretation guidelines (Richards et al. 2015 PMID: 25741868, with internal and published modifications).

NM_001109878.2(TBX22):c.834T>A (p.Ala278=)

Gene: TBX22 (T-box transcription factor 22). Cytogenetic location: Xq21.1.
Variant type: single nucleotide variant.
Coding change: c.834T>A on transcript NM_001109878.2 (MANE Select); coding-DNA position 834, T replaced by A.
Protein change: p.Ala278=; no amino-acid change (alanine 278 retained).
Molecular consequence: synonymous variant.
Genome position (GRCh38, 1-based): chrX:80,027,291, T>A. VCF-style: chrX-80027291-T-A. GRCh37 (hg19) VCF-style: chrX-79282790-T-A.
Other names: c.474T>A, p.Ala158= (NM_001109879.2, NM_001303475.1); c.834T>A, p.Ala278= (NM_016954.2).
Identifiers: ClinVar variation 3037496 (VCV003037496.2), dbSNP rs1249999407, ClinGen allele CA517403384.